The following is an entry in ClinVar:

NM_058004.4(PI4KA):c.5124C>T (p.Ile1708=)

Gene: PI4KA (phosphatidylinositol 4-kinase alpha; minus strand). Cytogenetic location: 22q11.21.
Variant type: single nucleotide variant.
Coding change: c.5124C>T on transcript NM_058004.4 (MANE Select); coding-DNA position 5124, C replaced by T.
Protein change: p.Ile1708=; no amino-acid change (isoleucine 1708 retained).
Molecular consequence: synonymous variant.
Genome position (GRCh38, 1-based): chr22:20,718,815, G>A on the plus strand (C>T on the coding strand, the complement: PI4KA is on the minus strand). VCF-style: chr22-20718815-G-A. GRCh37 (hg19) VCF-style: chr22-21073103-G-A.
Other names: c.5031C>T, p.Ile1677= (NM_001362862.2); c.5058C>T, p.Ile1686= (NM_001362863.2).
Identifiers: ClinVar variation 4821338 (VCV004821338.4).

ClinVar aggregate classification (germline): Likely benign (1 of 4 stars; one submission).

gnomAD v4.1: 427 of 1,613,676 alleles (0.026%); highest among the groups gnomAD compares: Non-Finnish European, 0.03%; no homozygotes.

Submission:

CeGaT Center for Human Genetics Tuebingen
Classification: Likely benign. Last evaluated: 2026-02-01. Review status: criteria provided, single submitter. Criteria: CeGaT Center For Human Genetics Tuebingen Variant Classification Criteria Version 2. Collection method: clinical testing. Allele origin: germline. Affected: yes. Observed: 1 variant allele.
Comment: PI4KA: BP4, BP7